The following is an entry in ClinVar:

ClinVar aggregate classification (germline): Uncertain significance (1 of 4 stars; one submission).

Conditions:
Neuropathy, hereditary sensory and autonomic, type 2A (HSAN2A). Also called: WNK1-Related HSAN2 (HSAN2A); HSAN IIA; ACROOSTEOLYSIS, GIACCAI TYPE; ACROOSTEOLYSIS, NEUROGENIC; MORVAN DISEASE; NEUROPATHY, CONGENITAL SENSORY. Identifiers: Orphanet 970, MedGen C2752089, MONDO:0024309, OMIM 201300.
Generalized epilepsy with febrile seizures plus, type 7 (GEFSP7). Also called: GEFS+, TYPE 7. Identifiers: Orphanet 36387, MedGen C2751778, MONDO:0013470, OMIM 613863.

gnomAD v4.1: 1 of 1,576,222 alleles (0.000063%); no homozygotes.

Submission:

Labcorp Genetics (formerly Invitae), Labcorp
Classification: Uncertain significance for Neuropathy, hereditary sensory and autonomic, type 2A; Generalized epilepsy with febrile seizures plus, type 7. Last evaluated: 2021-01-14. Review status: criteria provided, single submitter. Criteria: Invitae Variant Classification Sherloc (09022015). Collection method: clinical testing. Allele origin: germline.
Comment: Algorithms developed to predict the effect of missense changes on protein structure and function (SIFT, PolyPhen-2, Align-GVGD) all suggest that this variant is likely to be disruptive, but these predictions have not been confirmed by published functional studies and their clinical significance is uncertain. This variant has not been reported in the literature in individuals with SCN9A-related conditions. This variant is not present in population databases (ExAC no frequency). This sequence change replaces alanine with valine at codon 1283 of the SCN9A protein (p.Ala1283Val). The alanine residue is highly conserved and there is a small physicochemical difference between alanine and valine. In summary, the available evidence is currently insufficient to determine the role of this variant in disease. Therefore, it has been classified as a Variant of Uncertain Significance.

NM_001365536.1(SCN9A):c.3881C>T (p.Ala1294Val)

Genes: SCN1A-AS1 (SCN1A and SCN9A antisense RNA 1; plus strand), SCN9A (sodium voltage-gated channel alpha subunit 9; minus strand). Cytogenetic location: 2q24.3.
Variant type: single nucleotide variant.
Coding change: c.3881C>T on transcript NM_001365536.1 (MANE Select); coding-DNA position 3881, C replaced by T.
Protein change: p.Ala1294Val; replaces alanine 1294 with valine.
Molecular consequence: missense variant.
Genome position (GRCh38, 1-based): chr2:166,233,383, G>A on the plus strand (C>T on the coding strand, the complement: SCN9A is on the minus strand). VCF-style: chr2-166233383-G-A. GRCh37 (hg19) VCF-style: chr2-167089893-G-A.
Other names: c.3848C>T, p.Ala1283Val (NM_002977.4); short protein forms A1294V, A1283V.
Identifiers: ClinVar variation 1502601 (VCV001502601.8), dbSNP rs2106395566, ClinGen allele CA349066425.
Genomic context (GRCh38, chr2:166,233,383, plus strand): 5'-GTTTAGTATTTTCTTACCCTCATTCCTTCAAATCTAGATAAGGCTCTTAGAGGTCTTAAA[G>A]CTCTCAGTGTCCGAAGGGATTTAATGGGGCCAAGATCTGAGTAGCCAAGAGTGTTTGCCA-3'
Protein context (NP_001352465.1, residues 1284-1304): GPIKSLRTLR[Ala1294Val]LRPLRALSRF